The following is an entry in ClinVar:

NM_024079.5(ALG8):c.740T>G (p.Leu247Ter)

Gene: ALG8 (ALG8 alpha-1,3-glucosyltransferase; minus strand). Cytogenetic location: 11q14.1.
Variant type: single nucleotide variant.
Coding change: c.740T>G on transcript NM_024079.5 (MANE Select); coding-DNA position 740, T replaced by G.
Protein change: p.Leu247Ter; replaces leucine 247 with a stop codon.
Molecular consequence: nonsense. On other transcripts: non-coding transcript variant (2), intron variant (2).
Genome position (GRCh38, 1-based): chr11:78,113,923, A>C on the plus strand (T>G on the coding strand, the complement: ALG8 is on the minus strand). VCF-style: chr11-78113923-A-C. GRCh37 (hg19) VCF-style: chr11-77824969-A-C.
Other names: c.740T>G, p.Leu247Ter (NM_001007027.3, NM_001425221.1, NM_001425222.1 and 10 more transcripts); c.743T>G, p.Leu248Ter (NM_001425219.1); c.725T>G, p.Leu242Ter (NM_001425220.1); c.833T>G, p.Leu278Ter (NM_001425224.1); c.587T>G, p.Leu196Ter (NM_001425226.1, NM_001425235.1, NM_001425236.1); c.539T>G, p.Leu180Ter (NM_001425231.1); c.476T>G, p.Leu159Ter (NM_001425234.1, NM_001425239.1); c.224T>G, p.Leu75Ter (NM_001425241.1); and 3 more; short protein forms L242*, L75*, L159*, L196*, L247*, L180*, L248*, L278*.
Identifiers: ClinVar variation 3574056 (VCV003574056.3).
Genomic context (GRCh38, chr11:78,113,923, plus strand): 5'-AAAAAAAAAAAAAAAAGGCTTACCAAGGCCAGGAAAGGACCCAATGAAAGAGCAGAAACT[A>C]AGAAAACAACCAGTCCCAGGGAAATAACACGAACAAAGCTGAAACTCTTCCATCGAATAG-3'

ClinVar aggregate classification (germline): Pathogenic/Likely pathogenic. Review status: criteria provided, multiple submitters, no conflicts (2 of 4 stars). 2 submissions from 2 submitters: Pathogenic (1); Likely pathogenic (1). Last evaluated 2024-06-21.

Conditions:
ALG8 congenital disorder of glycosylation. Also called: CONGENITAL DISORDER OF GLYCOSYLATION, TYPE Ih; CDG Ih; ALG8-CDG. Identifiers: Orphanet 79325, MedGen C2931002, MONDO:0011969, OMIM 608104.
Polycystic liver disease 3 with or without kidney cysts. Identifiers: MedGen C4693472, MONDO:0054743, OMIM 617874.

gnomAD v4.1: 2 of 1,607,424 alleles (0.00012%); highest among the groups gnomAD compares: Non-Finnish European, 0.00017%; no homozygotes.

Submissions (2):

Fulgent Genetics
Classification: Likely pathogenic for ALG8 congenital disorder of glycosylation; Polycystic liver disease 3 with or without kidney cysts. Last evaluated: 2024-06-21. Review status: criteria provided, single submitter. Criteria: ACMG Guidelines, 2015. Collection method: clinical testing. Allele origin: germline.

Labcorp Genetics (formerly Invitae), Labcorp
Classification: Pathogenic for ALG8 congenital disorder of glycosylation. Last evaluated: 2024-02-07. Review status: criteria provided, single submitter. Criteria: Invitae Variant Classification Sherloc (09022015). Collection method: clinical testing. Allele origin: germline.
Comment: This sequence change creates a premature translational stop signal (p.Leu247*) in the ALG8 gene. It is expected to result in an absent or disrupted protein product. Loss-of-function variants in ALG8 are known to be pathogenic (PMID: 19862844). This variant is present in population databases (no rsID available, gnomAD 0.0009%). This variant has not been reported in the literature in individuals affected with ALG8-related conditions. For these reasons, this variant has been classified as Pathogenic.

Literature cited by the submitters: PubMed 19862844 (cited by Labcorp Genetics (formerly Invitae), Labcorp).